The following is an entry in ClinVar:

ClinVar aggregate classification (germline): Uncertain significance. Review status: criteria provided, multiple submitters, no conflicts (2 of 4 stars). 2 submissions from 2 submitters: Uncertain significance (2). Last evaluated 2025-09-11.

Allele frequency attached by ClinVar (database versions not stated): gnomAD exomes 0.00002; TOPMed 0.00003; ExAC 0.00013.
gnomAD v4.1: 25 of 1,603,542 alleles (0.0016%); highest among the groups gnomAD compares: Admixed American, 0.04%; no homozygotes.

Submissions (2):

Labcorp Genetics (formerly Invitae), Labcorp
Classification: Uncertain significance. Last evaluated: 2025-09-11. Review status: criteria provided, single submitter. Criteria: Invitae Variant Classification Sherloc (09022015). Collection method: clinical testing. Allele origin: germline.
Comment: This sequence change replaces alanine, which is neutral and non-polar, with valine, which is neutral and non-polar, at codon 66 of the COA5 protein (p.Ala66Val). This variant is present in population databases (rs755946087, gnomAD 0.07%), and has an allele count higher than expected for a pathogenic variant. This variant has not been reported in the literature in individuals affected with COA5-related conditions. ClinVar contains an entry for this variant (Variation ID: 2377360). An algorithm developed to predict the effect of missense changes on protein structure and function (PolyPhen-2) suggests that this variant is likely to be tolerated. In summary, the available evidence is currently insufficient to determine the role of this variant in disease. Therefore, it has been classified as a Variant of Uncertain Significance.

Ambry Genetics
Classification: Uncertain significance. Last evaluated: 2025-01-26. Review status: criteria provided, single submitter. Criteria: Ambry Variant Classification Scheme 2023. Collection method: clinical testing. Allele origin: germline.

NM_001008215.3(COA5):c.197C>T (p.Ala66Val)

Gene: COA5 (cytochrome c oxidase assembly factor 5; minus strand). Cytogenetic location: 2q11.2.
Variant type: single nucleotide variant.
Coding change: c.197C>T on transcript NM_001008215.3 (MANE Select); coding-DNA position 197, C replaced by T.
Protein change: p.Ala66Val; replaces alanine 66 with valine.
Molecular consequence: missense variant.
Genome position (GRCh38, 1-based): chr2:98,600,780, G>A on the plus strand (C>T on the coding strand, the complement: COA5 is on the minus strand). VCF-style: chr2-98600780-G-A. GRCh37 (hg19) VCF-style: chr2-99217243-G-A.
Other names: short protein forms A66V.
Identifiers: ClinVar variation 2377360 (VCV002377360.6), dbSNP rs755946087, ClinGen allele CA1795077.